The following is an entry in ClinVar:

ClinVar aggregate classification (germline): Uncertain significance. Review status: criteria provided, multiple submitters, no conflicts (2 of 4 stars). 5 submissions from 5 submitters: Uncertain significance (4). 1 of the submissions does not count toward it. Last evaluated 2024-06-19.

Conditions:
Microcephaly, normal intelligence and immunodeficiency (NBS). Also called: Immunodeficiency, microcephaly with normal intelligence; Ataxia telangiectasia variant V1; IMMUNODEFICIENCY, MICROCEPHALY, AND CHROMOSOMAL INSTABILITY; BERLIN BREAKAGE SYNDROME; SEEMANOVA SYNDROME II; Nijmegen breakage syndrome. Identifiers: Orphanet 647, MedGen C0398791, MONDO:0009623, OMIM 251260.
Hereditary cancer-predisposing syndrome. Also called: Neoplastic Syndromes, Hereditary; Hereditary neoplastic syndrome; Tumor predisposition; Hereditary Cancer Syndrome. Identifiers: Orphanet 140162, MedGen C0027672, MeSH D009386, MONDO:0015356.

Allele frequency attached by ClinVar (database versions not stated): gnomAD exomes below 0.00001 and 0.00001.
gnomAD v4.1: 6 of 1,613,762 alleles (0.00037%); highest among the groups gnomAD compares: Admixed American, 0.0017%; no homozygotes.

Submissions (5):

Labcorp Genetics (formerly Invitae), Labcorp
Classification: Uncertain significance for Microcephaly, normal intelligence and immunodeficiency. Last evaluated: 2024-06-19. Review status: criteria provided, single submitter. Criteria: Invitae Variant Classification Sherloc (09022015). Collection method: clinical testing. Allele origin: germline.
Comment: This sequence change replaces lysine, which is basic and polar, with arginine, which is basic and polar, at codon 568 of the NBN protein (p.Lys568Arg). This variant is present in population databases (no rsID available, gnomAD 0.003%). This variant has not been reported in the literature in individuals affected with NBN-related conditions. ClinVar contains an entry for this variant (Variation ID: 530741). Algorithms developed to predict the effect of missense changes on protein structure and function output the following: SIFT: "Not Available"; PolyPhen-2: "Benign"; Align-GVGD: "Not Available". The arginine amino acid residue is found in multiple mammalian species, which suggests that this missense change does not adversely affect protein function. In summary, the available evidence is currently insufficient to determine the role of this variant in disease. Therefore, it has been classified as a Variant of Uncertain Significance.

Ambry Genetics
Classification: Uncertain significance for Hereditary cancer-predisposing syndrome. Last evaluated: 2024-03-18. Review status: criteria provided, single submitter. Criteria: Ambry Variant Classification Scheme 2023. Collection method: clinical testing. Allele origin: germline.
Comment: The p.K568R variant (also known as c.1703A>G), located in coding exon 11 of the NBN gene, results from an A to G substitution at nucleotide position 1703. The lysine at codon 568 is replaced by arginine, an amino acid with highly similar properties. This amino acid position is not well conserved in available vertebrate species. In addition, this alteration is predicted to be tolerated by in silico analysis. Since supporting evidence is limited at this time, the clinical significance of this alteration remains unclear.

Genome-Nilou Lab
Classification: Uncertain significance for Microcephaly, normal intelligence and immunodeficiency. Last evaluated: 2021-11-07. Review status: criteria provided, single submitter. Criteria: ACMG Guidelines, 2015. Collection method: clinical testing. Allele origin: germline. Affected: no.

GeneDx
Classification: Uncertain significance. Last evaluated: 2020-03-11. Review status: criteria provided, single submitter. Criteria: GeneDx Variant Classification Process June 2021. Collection method: clinical testing. Allele origin: germline. Affected: yes.
Comment: Not observed at a significant frequency in large population cohorts (Lek et al., 2016); In silico analysis supports that this missense variant does not alter protein structure/function; Has not been previously published as pathogenic or benign to our knowledge

Natera, Inc.
Classification: Uncertain significance for Nijmegen breakage syndrome. Last evaluated: 2025-04-30. Review status: no assertion criteria provided. Collection method: clinical testing. Allele origin: germline. Not counted in ClinVar's aggregate classification.

NM_002485.5(NBN):c.1703A>G (p.Lys568Arg)

Gene: NBN (nibrin; minus strand). Cytogenetic location: 8q21.3.
Variant type: single nucleotide variant.
Coding change: c.1703A>G on transcript NM_002485.5 (MANE Select); coding-DNA position 1703, A replaced by G.
Protein change: p.Lys568Arg; replaces lysine 568 with arginine.
Molecular consequence: missense variant.
Genome position (GRCh38, 1-based): chr8:89,953,386, T>C on the plus strand (A>G on the coding strand, the complement: NBN is on the minus strand). VCF-style: chr8-89953386-T-C. GRCh37 (hg19) VCF-style: chr8-90965614-T-C.
Other names: c.1457A>G, p.Lys486Arg (NM_001024688.3); short protein forms K568R, K486R.
Identifiers: ClinVar variation 530741 (VCV000530741.24), dbSNP rs1488036998, ClinGen allele CA371655281.